The following is an entry in ClinVar:

ClinVar aggregate classification (germline): Likely benign (1 of 4 stars; one submission).

Submission:

Mayo Clinic Laboratories, Mayo Clinic
Classification: Likely benign. Last evaluated: 2025-10-22. Review status: criteria provided, single submitter. Criteria: ACMG Guidelines, 2015. Collection method: clinical testing. Allele origin: germline. Observed: 1 variant allele.
Comment: BP4, BP7, PM2_supporting

NM_000093.5(COL5A1):c.2332-4T>G

Gene: COL5A1 (collagen type V alpha 1 chain; plus strand). Cytogenetic location: 9q34.3.
Variant type: single nucleotide variant.
Coding change: c.2332-4T>G on transcript NM_000093.5 (MANE Select); 4 bases into the intron before coding-DNA position 2332, T replaced by G.
Molecular consequence: intron variant.
Genome position (GRCh38, 1-based): chr9:134,774,855, T>G. VCF-style: chr9-134774855-T-G. GRCh37 (hg19) VCF-style: chr9-137666701-T-G.
Other names: p.?; c.2332-4T>G (NM_001278074.1).
Identifiers: ClinVar variation 4683459 (VCV004683459.1).